The following is an entry in ClinVar:

ClinVar aggregate classification (germline): Conflicting classifications of pathogenicity. Review status: criteria provided, conflicting classifications (1 of 4 stars). 2 submissions from 2 submitters: Likely pathogenic (1); Uncertain significance (1). Last evaluated 2024-12-30.

Conditions:
Hereditary breast ovarian cancer syndrome. Also called: Hereditary breast and ovarian cancer; Breast and ovarian cancer; Hereditary breast and/or ovarian cancer syndrome; Hereditary breast and ovarian cancer syndrome; BRCA1- and BRCA2-Associated Hereditary Breast and Ovarian Cancer; Hereditary breast and ovarian cancer syndrome (HBOC). Identifiers: Orphanet 145, MedGen C0677776, MeSH D061325, MONDO:0003582. Disease mechanism: loss of function.
Hereditary cancer-predisposing syndrome. Also called: Tumor predisposition; Hereditary Cancer Syndrome; Neoplastic Syndromes, Hereditary; Hereditary neoplastic syndrome. Identifiers: Orphanet 140162, MedGen C0027672, MeSH D009386, MONDO:0015356.

Submissions (2):

Ambry Genetics
Classification: Likely pathogenic for Hereditary cancer-predisposing syndrome. Last evaluated: 2024-12-30. Review status: criteria provided, single submitter. Criteria: Ambry Variant Classification Scheme 2023. Collection method: clinical testing. Allele origin: germline.
Comment: The p.D2819G variant (also known as c.8456A>G), located in coding exon 18 of the BRCA2 gene, results from an A to G substitution at nucleotide position 8456. The aspartic acid at codon 2819 is replaced by glycine, an amino acid with similar properties. This alteration is non-functional in an assay of homology-directed DNA repair activity (Hu, C et al. Am J Hum Genet 2024 Mar;111(3):584-593.). This amino acid position is highly conserved in available vertebrate species. In addition, this alteration is predicted to be deleterious by in silico analysis. Based on the majority of available evidence to date, this variant is likely to be pathogenic.

Labcorp Genetics (formerly Invitae), Labcorp
Classification: Uncertain significance for Hereditary breast ovarian cancer syndrome. Last evaluated: 2024-04-29. Review status: criteria provided, single submitter. Criteria: Invitae Variant Classification Sherloc (09022015). Collection method: clinical testing. Allele origin: germline.
Comment: This sequence change replaces aspartic acid, which is acidic and polar, with glycine, which is neutral and non-polar, at codon 2819 of the BRCA2 protein (p.Asp2819Gly). This variant is not present in population databases (gnomAD no frequency). This variant has not been reported in the literature in individuals affected with BRCA2-related conditions. ClinVar contains an entry for this variant (Variation ID: 822455). Advanced modeling of protein sequence and biophysical properties (such as structural, functional, and spatial information, amino acid conservation, physicochemical variation, residue mobility, and thermodynamic stability) performed at Invitae indicates that this missense variant is not expected to disrupt BRCA2 protein function with a negative predictive value of 95%. In summary, the available evidence is currently insufficient to determine the role of this variant in disease. Therefore, it has been classified as a Variant of Uncertain Significance.

Literature cited by the submitters: PubMed 33609447 (cited by Ambry Genetics); PubMed 38417439 (cited by Ambry Genetics).

NM_000059.4(BRCA2):c.8456A>G (p.Asp2819Gly)

Gene: BRCA2 (BRCA2 DNA repair associated; plus strand). Cytogenetic location: 13q13.1.
Variant type: single nucleotide variant.
Coding change: c.8456A>G on transcript NM_000059.4 (MANE Select); coding-DNA position 8456, A replaced by G.
Protein change: p.Asp2819Gly; replaces aspartic acid 2819 with glycine.
Molecular consequence: missense variant.
Genome position (GRCh38, 1-based): chr13:32,370,526, A>G. VCF-style: chr13-32370526-A-G. GRCh37 (hg19) VCF-style: chr13-32944663-A-G.
Other names: short protein forms D2819G.
Identifiers: ClinVar variation 822455 (VCV000822455.15), dbSNP rs1555287655, ClinGen allele CA387752593.
Genomic context (GRCh38, chr13:32,370,526, plus strand): 5'-GACCTTTTCCTCTGCCCTTATCATCGCTTTTCAGTGATGGAGGAAATGTTGGTTGTGTTG[A>G]TGTAATTATTCAAAGAGCATACCCTATACAGGTATGATGTATTCTTGAAACTTACCATAT-3'
Protein context (NP_000050.3, residues 2809-2829): FSDGGNVGCV[Asp2819Gly]VIIQRAYPIQ